The following is an entry in ClinVar:

ClinVar aggregate classification (germline): Likely benign. Review status: criteria provided, multiple submitters, no conflicts (2 of 4 stars). 4 submissions from 4 submitters: Likely benign (4). Last evaluated 2025-08-24.

Conditions:
Ehlers-Danlos syndrome, classic type, 1 (EDSCL1). Also called: Ehlers-Danlos syndrome, type 1; Ehlers-Danlos Syndrome, Classic Type, COL5A1-Related; EDS I; EHLERS-DANLOS SYNDROME, GRAVIS TYPE; EHLERS-DANLOS SYNDROME, SEVERE CLASSIC TYPE. Identifiers: MedGen C0268335, MONDO:0019567, OMIM 130000.
Familial thoracic aortic aneurysm and aortic dissection (TAAD). Also called: Thoracic aortic aneurysms and dissections. Identifiers: Orphanet 91387, MedGen C4707243, MONDO:0019625.

Allele frequency attached by ClinVar (database versions not stated): ExAC 0.00001; gnomAD 0.00001 and 0.00002; gnomAD exomes 0.00002 and 0.00004; TOPMed 0.00002.
gnomAD v4.1: 58 of 1,612,618 alleles (0.0036%); highest among the groups gnomAD compares: Non-Finnish European, 0.0046%; no homozygotes.

Submissions (4):

Labcorp Genetics (formerly Invitae), Labcorp
Classification: Likely benign for Ehlers-Danlos syndrome, classic type, 1. Last evaluated: 2025-08-24. Review status: criteria provided, single submitter. Criteria: Invitae Variant Classification Sherloc (09022015). Collection method: clinical testing. Allele origin: germline.

Ambry Genetics
Classification: Likely benign for Familial thoracic aortic aneurysm and aortic dissection. Last evaluated: 2025-03-02. Review status: criteria provided, single submitter. Criteria: Ambry Variant Classification Scheme 2023. Collection method: clinical testing. Allele origin: germline.

Blueprint Genetics
Classification: Likely benign. Last evaluated: 2021-06-21. Review status: criteria provided, single submitter. Criteria: ACMG Guidelines, 2015. Collection method: clinical testing. Allele origin: germline.

GeneDx
Classification: Likely benign. Last evaluated: 2016-06-13. Review status: criteria provided, single submitter. Criteria: GeneDx Variant Classification (06012015). Collection method: clinical testing. Allele origin: germline. Affected: yes.
Comment: This variant is considered likely benign or benign based on one or more of the following criteria: it is a conservative change, it occurs at a poorly conserved position in the protein, it is predicted to be benign by multiple in silico algorithms, and/or has population frequency not consistent with disease.

NM_000093.5(COL5A1):c.2580C>A (p.Pro860=)

Gene: COL5A1 (collagen type V alpha 1 chain; plus strand). Cytogenetic location: 9q34.3.
Variant type: single nucleotide variant.
Coding change: c.2580C>A on transcript NM_000093.5 (MANE Select); coding-DNA position 2580, C replaced by A.
Protein change: p.Pro860=; no amino-acid change (proline 860 retained).
Molecular consequence: synonymous variant.
Genome position (GRCh38, 1-based): chr9:134,785,084, C>A. VCF-style: chr9-134785084-C-A. GRCh37 (hg19) VCF-style: chr9-137676930-C-A.
Other names: c.2580C>A, p.Pro860= (NM_001278074.1).
Identifiers: ClinVar variation 386776 (VCV000386776.8), dbSNP rs762553184, ClinGen allele CA5319456.
Genomic context (GRCh38, chr9:134,785,084, plus strand): 5'-TGGCCCTGAAGGCCCAAAGGGTCGCGGAGGTCCCAATGGTGACCCCGGTCCTCTGGGACC[C>A]CCTGGGGAGAAGGTTTGTGATGTGGGACGTTCAGCCACTTTCTTGGGAGGGATCTGACAG-3'
Protein context (NP_000084.3, residues 850-870): GPNGDPGPLG[Pro860=]PGEKGKLGVP